The following is an entry in ClinVar:

ClinVar aggregate classification (germline): Uncertain significance (1 of 4 stars; one submission).

Submission:

Labcorp Genetics (formerly Invitae), Labcorp
Classification: Uncertain significance. Last evaluated: 2022-05-12. Review status: criteria provided, single submitter. Criteria: Invitae Variant Classification Sherloc (09022015). Collection method: clinical testing. Allele origin: germline.
Comment: In summary, the available evidence is currently insufficient to determine the role of this variant in disease. Therefore, it has been classified as a Variant of Uncertain Significance. Algorithms developed to predict the effect of missense changes on protein structure and function are either unavailable or do not agree on the potential impact of this missense change (SIFT: "Deleterious"; PolyPhen-2: "Benign"; Align-GVGD: "Class C0"). This variant has not been reported in the literature in individuals affected with GABRB1-related conditions. This variant is not present in population databases (gnomAD no frequency). This sequence change replaces asparagine, which is neutral and polar, with lysine, which is basic and polar, at codon 33 of the GABRB1 protein (p.Asn33Lys).

NM_000812.4(GABRB1):c.99C>A (p.Asn33Lys)

Gene: GABRB1 (gamma-aminobutyric acid type A receptor subunit beta1; plus strand). Cytogenetic location: 4p12.
Variant type: single nucleotide variant.
Coding change: c.99C>A on transcript NM_000812.4 (MANE Select); coding-DNA position 99, C replaced by A.
Protein change: p.Asn33Lys; replaces asparagine 33 with lysine.
Molecular consequence: missense variant.
Genome position (GRCh38, 1-based): chr4:47,031,932, C>A. VCF-style: chr4-47031932-C-A. GRCh37 (hg19) VCF-style: chr4-47033949-C-A.
Other names: short protein forms N33K.
Identifiers: ClinVar variation 1993615 (VCV001993615.4), dbSNP rs2475083629, ClinGen allele CA356805337.
Genomic context (GRCh38, chr4:47,031,932, plus strand): 5'-TTTGTGCTCATTTTGAATACGGTCCCTACTTCTTCCCCTTAGCACCAATGAACCCAGCAA[C>A]ATGTCATACGTGAAAGAGACAGTGGACAGATTGCTCAAAGGATATGACATTCGCTTGCGG-3'
Protein context (NP_000803.2, residues 23-43): CCAHSTNEPS[Asn33Lys]MSYVKETVDR